The following is an entry in ClinVar:

NM_183357.3(ADCY5):c.1882C>T (p.Arg628Cys)

Gene: ADCY5 (adenylate cyclase 5; minus strand). Cytogenetic location: 3q21.1.
Variant type: single nucleotide variant.
Coding change: c.1882C>T on transcript NM_183357.3 (MANE Select); coding-DNA position 1882, C replaced by T.
Protein change: p.Arg628Cys; replaces arginine 628 with cysteine.
Molecular consequence: missense variant.
Genome position (GRCh38, 1-based): chr3:123,327,683, G>A on the plus strand (C>T on the coding strand, the complement: ADCY5 is on the minus strand). VCF-style: chr3-123327683-G-A. GRCh37 (hg19) VCF-style: chr3-123046530-G-A.
Other names: c.832C>T, p.Arg278Cys (NM_001199642.1); c.1882C>T, p.Arg628Cys (NM_001378259.1); short protein forms R628C, R278C.
Identifiers: ClinVar variation 1489757 (VCV001489757.8), dbSNP rs1252252107, ClinGen allele CA354219211.

ClinVar aggregate classification (germline): Uncertain significance (1 of 4 stars; one submission).

Allele frequency attached by ClinVar (database versions not stated): gnomAD exomes below 0.00001; TOPMed below 0.00001.
gnomAD v4.1: 4 of 1,614,068 alleles (0.00025%); highest among the groups gnomAD compares: Non-Finnish European, 0.00034%; no homozygotes.

Submission:

Labcorp Genetics (formerly Invitae), Labcorp
Classification: Uncertain significance. Last evaluated: 2022-08-23. Review status: criteria provided, single submitter. Criteria: Invitae Variant Classification Sherloc (09022015). Collection method: clinical testing. Allele origin: germline.
Comment: In summary, the available evidence is currently insufficient to determine the role of this variant in disease. Therefore, it has been classified as a Variant of Uncertain Significance. Advanced modeling of protein sequence and biophysical properties (such as structural, functional, and spatial information, amino acid conservation, physicochemical variation, residue mobility, and thermodynamic stability) performed at Invitae indicates that this missense variant is expected to disrupt ADCY5 protein function. ClinVar contains an entry for this variant (Variation ID: 1489757). This variant has not been reported in the literature in individuals affected with ADCY5-related conditions. This variant is present in population databases (no rsID available, gnomAD 0.0009%). This sequence change replaces arginine, which is basic and polar, with cysteine, which is neutral and slightly polar, at codon 628 of the ADCY5 protein (p.Arg628Cys).